The following is an entry in ClinVar:

NM_182760.4(SUMF1):c.1102G>A (p.Asp368Asn)

Gene: SUMF1 (sulfatase modifying factor 1; minus strand). Cytogenetic location: 3p26.1.
Variant type: single nucleotide variant.
Coding change: c.1102G>A on transcript NM_182760.4 (MANE Select); coding-DNA position 1102, G replaced by A.
Protein change: p.Asp368Asn; replaces aspartic acid 368 with asparagine.
Molecular consequence: missense variant.
Genome position (GRCh38, 1-based): chr3:4,362,167, C>T on the plus strand (G>A on the coding strand, the complement: SUMF1 is on the minus strand). VCF-style: chr3-4362167-C-T. GRCh37 (hg19) VCF-style: chr3-4403851-C-T.
Other names: c.1027G>A, p.Asp343Asn (NM_001164674.2); c.1042G>A, p.Asp348Asn (NM_001164675.2); c.1102G>A (NM_182760.3); short protein forms D348N, D368N, D343N.
Identifiers: ClinVar variation 1943740 (VCV001943740.3), dbSNP rs781069134, ClinGen allele CA2230314.
Genomic context (GRCh38, chr3:4,362,167, plus strand): 5'-GACTGCTCCTTGGACTGGGGAAGACTTTCCTTGGTTGTCAGTCCATAGTGGGCAGGCGGT[C>T]GGCTGCACAGCGGAATCCCAGATTCGAAGCAGAGCTATCAGGTGTGTTCTGGCTCCGAGC-3'
Protein context (NP_877437.2, residues 358-374): ASNLGFRCAA[Asp368Asn]RLPTMD

ClinVar aggregate classification (germline): Uncertain significance. Review status: criteria provided, multiple submitters, no conflicts (2 of 4 stars). 2 submissions from 2 submitters: Uncertain significance (2). Last evaluated 2025-05-13.

Conditions:
Multiple sulfatase deficiency (MSD). Also called: Mucosulfatidosis; Multiple Sulfatase Deficiency Disease; Sulfatidosis, Juvenile, Austin Type. Identifiers: Orphanet 585, MedGen C0268263, MONDO:0010088, OMIM 272200.
Inborn genetic diseases. Identifiers: MedGen C0950123, MeSH D030342.

Allele frequency attached by ClinVar (database versions not stated): gnomAD 0.00001.
gnomAD v4.1: 25 of 1,614,008 alleles (0.0015%); highest among the groups gnomAD compares: East Asian, 0.0045%; no homozygotes.

Submissions (2):

Ambry Genetics
Classification: Uncertain significance for Inborn genetic diseases. Last evaluated: 2025-05-13. Review status: criteria provided, single submitter. Criteria: Ambry Variant Classification Scheme 2023. Collection method: clinical testing. Allele origin: germline.

Labcorp Genetics (formerly Invitae), Labcorp
Classification: Uncertain significance for Multiple sulfatase deficiency. Last evaluated: 2022-08-07. Review status: criteria provided, single submitter. Criteria: Invitae Variant Classification Sherloc (09022015). Collection method: clinical testing. Allele origin: germline.
Comment: This sequence change replaces aspartic acid, which is acidic and polar, with asparagine, which is neutral and polar, at codon 368 of the SUMF1 protein (p.Asp368Asn). This variant is present in population databases (rs781069134, gnomAD 0.006%). This variant has not been reported in the literature in individuals affected with SUMF1-related conditions. Algorithms developed to predict the effect of missense changes on protein structure and function output the following: SIFT: "Tolerated"; PolyPhen-2: "Benign"; Align-GVGD: "Class C0". The asparagine amino acid residue is found in multiple mammalian species, which suggests that this missense change does not adversely affect protein function. In summary, the available evidence is currently insufficient to determine the role of this variant in disease. Therefore, it has been classified as a Variant of Uncertain Significance.